The following is an entry in ClinVar:

NM_000179.3(MSH6):c.2051T>A (p.Leu684Gln)

Gene: MSH6 (mutS homolog 6; plus strand). Cytogenetic location: 2p16.3.
Variant type: single nucleotide variant.
Coding change: c.2051T>A on transcript NM_000179.3 (MANE Select); coding-DNA position 2051, T replaced by A.
Protein change: p.Leu684Gln; replaces leucine 684 with glutamine.
Molecular consequence: missense variant. On other transcripts: non-coding transcript variant (5), intron variant (2).
Genome position (GRCh38, 1-based): chr2:47,800,034, T>A. VCF-style: chr2-47800034-T-A. GRCh37 (hg19) VCF-style: chr2-48027173-T-A.
Other names: c.1661T>A, p.Leu554Gln (NM_001281492.2); c.1145T>A, p.Leu382Gln (NM_001281493.2, NM_001281494.2, NM_001406823.1 and 6 more transcripts); c.2147T>A, p.Leu716Gln (NM_001406795.1, NM_001406802.1); c.2051T>A, p.Leu684Gln (NM_001406796.1, NM_001406798.1, NM_001406800.1 and 3 more transcripts); c.1754T>A, p.Leu585Gln (NM_001406797.1, NM_001406801.1, NM_001406805.1 and 10 more transcripts); c.1526T>A, p.Leu509Gln (NM_001406799.1, NM_001406806.1, NM_001406807.1); c.1973T>A, p.Leu658Gln (NM_001406804.1); c.1883T>A, p.Leu628Gln (NM_001406826.1); and 3 more; short protein forms L509Q, L585Q, L628Q, L684Q, L686Q, L716Q, L658Q, L382Q.
Identifiers: ClinVar variation 3393754 (VCV003393754.4).

ClinVar aggregate classification (germline): Uncertain significance. Review status: criteria provided, multiple submitters, no conflicts (2 of 4 stars). 3 submissions from 3 submitters: Uncertain significance (3). Last evaluated 2026-01-15.

Conditions:
Hereditary nonpolyposis colorectal neoplasms. Identifiers: MedGen C0009405, MeSH D003123.
Hereditary cancer-predisposing syndrome. Also called: Hereditary neoplastic syndrome; Tumor predisposition; Neoplastic Syndromes, Hereditary; Hereditary Cancer Syndrome. Identifiers: Orphanet 140162, MedGen C0027672, MeSH D009386, MONDO:0015356.

Submissions (3):

Ambry Genetics
Classification: Uncertain significance for Hereditary cancer-predisposing syndrome. Last evaluated: 2026-01-15. Review status: criteria provided, single submitter. Criteria: Ambry Variant Classification Scheme 2023. Collection method: clinical testing. Allele origin: germline.
Comment: The p.L684Q variant (also known as c.2051T>A), located in coding exon 4 of the MSH6 gene, results from a T to A substitution at nucleotide position 2051. The leucine at codon 684 is replaced by glutamine, an amino acid with dissimilar properties. This amino acid position is conserved. In addition, this alteration is predicted to be deleterious by in silico analysis. Based on the available evidence, the clinical significance of this variant remains unclear.

GeneDx
Classification: Uncertain significance. Last evaluated: 2024-06-30. Review status: criteria provided, single submitter. Criteria: GeneDx Variant Classification Process June 2021. Collection method: clinical testing. Allele origin: germline. Affected: yes.
Comment: Not observed at significant frequency in large population cohorts (gnomAD); In silico analysis supports that this missense variant has a deleterious effect on protein structure/function; Has not been previously published as pathogenic or benign to our knowledge; This variant is associated with the following publications: (PMID: 17531815, 21120944)

Labcorp Genetics (formerly Invitae), Labcorp
Classification: Uncertain significance for Hereditary nonpolyposis colorectal neoplasms. Last evaluated: 2024-03-20. Review status: criteria provided, single submitter. Criteria: Invitae Variant Classification Sherloc (09022015). Collection method: clinical testing. Allele origin: germline.
Comment: This sequence change replaces leucine, which is neutral and non-polar, with glutamine, which is neutral and polar, at codon 684 of the MSH6 protein (p.Leu684Gln). This variant is not present in population databases (gnomAD no frequency). This variant has not been reported in the literature in individuals affected with MSH6-related conditions. Advanced modeling of protein sequence and biophysical properties (such as structural, functional, and spatial information, amino acid conservation, physicochemical variation, residue mobility, and thermodynamic stability) performed at Invitae indicates that this missense variant is expected to disrupt MSH6 protein function with a positive predictive value of 95%. In summary, the available evidence is currently insufficient to determine the role of this variant in disease. Therefore, it has been classified as a Variant of Uncertain Significance.